The following is an entry in ClinVar:

NM_005045.4(RELN):c.2861C>G (p.Thr954Ser)

Gene: RELN (reelin; minus strand). Cytogenetic location: 7q22.1.
Variant type: single nucleotide variant.
Coding change: c.2861C>G on transcript NM_005045.4 (MANE Select); coding-DNA position 2861, C replaced by G.
Protein change: p.Thr954Ser; replaces threonine 954 with serine.
Molecular consequence: missense variant.
Genome position (GRCh38, 1-based): chr7:103,611,645, G>C on the plus strand (C>G on the coding strand, the complement: RELN is on the minus strand). VCF-style: chr7-103611645-G-C. GRCh37 (hg19) VCF-style: chr7-103252092-G-C.
Other names: c.2861C>G, p.Thr954Ser (NM_173054.3); short protein forms T954S.
Identifiers: ClinVar variation 1475145 (VCV001475145.8), dbSNP rs2117291489, ClinGen allele CA368754193.

ClinVar aggregate classification (germline): Uncertain significance (1 of 4 stars; one submission).

Conditions:
Familial temporal lobe epilepsy 7. Identifiers: Orphanet 101046, MedGen C4225327, MONDO:0014639, OMIM 616436.
Norman-Roberts syndrome (LIS2). Also called: Lissencephaly 2 (Norman-Roberts type). Identifiers: Orphanet 89844, MedGen C0796089, MONDO:0009760, OMIM 257320.

Submission:

Labcorp Genetics (formerly Invitae), Labcorp
Classification: Uncertain significance for Familial temporal lobe epilepsy 7; Norman-Roberts syndrome. Last evaluated: 2022-08-09. Review status: criteria provided, single submitter. Criteria: Invitae Variant Classification Sherloc (09022015). Collection method: clinical testing. Allele origin: germline.
Comment: This sequence change replaces threonine, which is neutral and polar, with serine, which is neutral and polar, at codon 954 of the RELN protein (p.Thr954Ser). This variant is not present in population databases (gnomAD no frequency). This variant has not been reported in the literature in individuals affected with RELN-related conditions. ClinVar contains an entry for this variant (Variation ID: 1475145). Algorithms developed to predict the effect of missense changes on protein structure and function are either unavailable or do not agree on the potential impact of this missense change (SIFT: "Deleterious"; PolyPhen-2: "Benign"; Align-GVGD: "Class C0"). In summary, the available evidence is currently insufficient to determine the role of this variant in disease. Therefore, it has been classified as a Variant of Uncertain Significance.